The following is an entry in ClinVar:

NM_000540.3(RYR1):c.3178+5G>A

Gene: RYR1 (ryanodine receptor 1; plus strand). Cytogenetic location: 19q13.2.
Variant type: single nucleotide variant.
Coding change: c.3178+5G>A on transcript NM_000540.3 (MANE Select); 5 bases into the intron after coding-DNA position 3178, G replaced by A.
Molecular consequence: intron variant.
Genome position (GRCh38, 1-based): chr19:38,466,403, G>A. VCF-style: chr19-38466403-G-A. GRCh37 (hg19) VCF-style: chr19-38957043-G-A.
Other names: c.3178+5G>A (NM_001042723.2).
Identifiers: ClinVar variation 3387679 (VCV003387679.1).
Genomic context (GRCh38, chr19:38,466,403, plus strand): 5'-CGTGCGCACCCTCCTGGGCTACGGCTACAACATCGAGCCTCCTGACCAGGAGCCCAGTGA[G>A]TGCTCACCCCTGGCCCTGGCCCTGACTCCTACCCCAACTCTGACCCCAGCCCCGATCCCT-3'

ClinVar aggregate classification (germline): Uncertain significance (1 of 4 stars; one submission).

Conditions:
Malignant hyperthermia, susceptibility to, 1 (MHS1). Also called: Anesthesia related hyperthermia; Malignant hyperpyrexia; Fulminating hyperpyrexia; Pharmacogenic myopathy; RYR1-Related Malignant Hyperthermia Susceptibility; Malignant hyperthermia suceptibility 1. Identifiers: Orphanet 423, MedGen C2930980, MONDO:0007783, OMIM 145600.

gnomAD v4.1: 1 of 1,544,018 alleles (0.000065%); highest among the groups gnomAD compares: Non-Finnish European, 0.000087%; no homozygotes.

Submission:

All of Us Research Program, National Institutes of Health
Classification: Uncertain significance for Malignant hyperthermia, susceptibility to, 1. Last evaluated: 2024-03-24. Review status: criteria provided, single submitter. Criteria: ACMG Guidelines, 2015. Collection method: clinical testing. Allele origin: germline. Inheritance: Autosomal dominant inheritance. Observed: 1 variant allele, 1 heterozygote.
Comment: This variant causes a G to A nucleotide substitution at the +5 position of intron 24 of the RYR1 gene. Splice site prediction tools suggest that this variant may have an impact on RNA splicing. To our knowledge, functional studies have not been reported for this variant. This variant has not been reported in individuals affected with RYR1-related disorders in the literature. This variant has not been identified in the general population by the Genome Aggregation Database (gnomAD). The available evidence is insufficient to determine the role of this variant in disease conclusively. Therefore, this variant is classified as a Variant of Uncertain Significance.

This study involves interpretation of variants in research participants for the purpose of population health screening. Participant phenotype was not available at the time of variant classification. Additional details can be found in publication PMID: 35346344, PMCID: PMC8962531